The following is an entry in ClinVar:

NM_005732.4(RAD50):c.2197G>T (p.Val733Leu)

Gene: RAD50 (RAD50 double strand break repair protein; plus strand). Cytogenetic location: 5q31.1.
Variant type: single nucleotide variant.
Coding change: c.2197G>T on transcript NM_005732.4 (MANE Select); coding-DNA position 2197, G replaced by T.
Protein change: p.Val733Leu; replaces valine 733 with leucine.
Molecular consequence: missense variant.
Genome position (GRCh38, 1-based): chr5:132,595,800, G>T. VCF-style: chr5-132595800-G-T. GRCh37 (hg19) VCF-style: chr5-131931492-G-T.
Other names: short protein forms V733L.
Identifiers: ClinVar variation 951397 (VCV000951397.10), dbSNP rs1315534097, ClinGen allele CA360950884.

ClinVar aggregate classification (germline): Uncertain significance (1 of 4 stars; one submission).

Conditions:
Hereditary cancer-predisposing syndrome. Also called: Tumor predisposition; Hereditary neoplastic syndrome; Neoplastic Syndromes, Hereditary; Hereditary Cancer Syndrome. Identifiers: Orphanet 140162, MedGen C0027672, MeSH D009386, MONDO:0015356.

gnomAD v4.1: 1 of 1,603,774 alleles (0.000062%); highest among the groups gnomAD compares: Middle Eastern, 0.017%; no homozygotes.

Submission:

Labcorp Genetics (formerly Invitae), Labcorp
Classification: Uncertain significance for Hereditary cancer-predisposing syndrome. Last evaluated: 2022-06-27. Review status: criteria provided, single submitter. Criteria: Invitae Variant Classification Sherloc (09022015). Collection method: clinical testing. Allele origin: germline.
Comment: This variant is not present in population databases (gnomAD no frequency). This sequence change replaces valine, which is neutral and non-polar, with leucine, which is neutral and non-polar, at codon 733 of the RAD50 protein (p.Val733Leu). This variant has not been reported in the literature in individuals affected with RAD50-related conditions. In summary, the available evidence is currently insufficient to determine the role of this variant in disease. Therefore, it has been classified as a Variant of Uncertain Significance. Algorithms developed to predict the effect of missense changes on protein structure and function (SIFT, PolyPhen-2, Align-GVGD) all suggest that this variant is likely to be tolerated. ClinVar contains an entry for this variant (Variation ID: 951397).